The following is an entry in ClinVar:

ClinVar aggregate classification (germline): Benign (1 of 4 stars; one submission).

Conditions:
Obesity due to SIM1 deficiency. Identifiers: Orphanet 369873, MedGen C5191050, MONDO:0018244.

Allele frequency attached by ClinVar (database versions not stated): 1000 Genomes Project 0.10723; 1000 Genomes Project 30x 0.10806; gnomAD 0.11649 and 0.11671; TOPMed 0.11861.

Submissions (3):

Illumina Laboratory Services, Illumina
Classification: Benign for Obesity due to SIM1 deficiency. Last evaluated: 2018-01-13. Review status: criteria provided, single submitter. Criteria: ICSL Variant Classification Criteria 13 December 2019. Collection method: clinical testing. Allele origin: germline.
Comment: This variant was observed in the ICSL laboratory as part of a predisposition screen in an ostensibly healthy population. It had not been previously curated by ICSL or reported in the Human Gene Mutation Database (HGMD: prior to June 1st, 2018), and was therefore a candidate for classification through an automated scoring system. Utilizing variant allele frequency, disease prevalence and penetrance estimates, and inheritance mode, an automated score was calculated to assess if this variant is too frequent to cause the disease. Based on the score and internal cut-off values, a variant classified as benign is not then subjected to further curation. The score for this variant resulted in a classification of benign for this disease.

Dr. Peter K. Rogan Lab, Western University
No classification provided (evidence only). Condition: Ovarian serous cystadenocarcinoma. Review status: no classification provided. Collection method: in vitro. Allele origin: not applicable. Functional consequence: retained intron. Not counted in ClinVar's aggregate classification.

Dr. Peter K. Rogan Lab, Western University
No classification provided (evidence only). Condition: Ovarian serous cystadenocarcinoma. Review status: no classification provided. Collection method: in vitro. Allele origin: not applicable. Functional consequence: retained intron. Not counted in ClinVar's aggregate classification.

NM_005068.3(SIM1):c.*1453G>T

Gene: SIM1 (SIM bHLH transcription factor 1; minus strand). Cytogenetic location: 6q16.3.
Variant type: single nucleotide variant.
Coding change: c.*1453G>T on transcript NM_005068.3 (MANE Select); 1453 bases downstream of the stop codon, G replaced by T.
Molecular consequence: 3 prime UTR variant.
Genome position (GRCh38, 1-based): chr6:100,388,908, C>A on the plus strand (G>T on the coding strand, the complement: SIM1 is on the minus strand). VCF-style: chr6-100388908-C-A. GRCh37 (hg19) VCF-style: chr6-100836784-C-A.
Other names: NC_000006.11:g.100836784C>A; c.*1453G>T (NM_001374769.1).
Identifiers: ClinVar variation 354661 (VCV000354661.6), dbSNP rs13201004, ClinGen allele CA10622494.